The following is an entry in ClinVar:

NM_018127.7(ELAC2):c.2108+14G>A

Gene: ELAC2 (elaC ribonuclease Z 2; minus strand). Cytogenetic location: 17p12.
Variant type: single nucleotide variant.
Coding change: c.2108+14G>A on transcript NM_018127.7 (MANE Select); 14 bases into the intron after coding-DNA position 2108, G replaced by A.
Molecular consequence: intron variant.
Genome position (GRCh38, 1-based): chr17:12,994,411, C>T on the plus strand (G>A on the coding strand, the complement: ELAC2 is on the minus strand). VCF-style: chr17-12994411-C-T. GRCh37 (hg19) VCF-style: chr17-12897728-C-T.
Other names: c.1988+14G>A (NM_001165962.2); c.2105+14G>A (NM_173717.2).
Identifiers: ClinVar variation 506860 (VCV000506860.10), dbSNP rs199942266, ClinGen allele CA8400936.
Genomic context (GRCh38, chr17:12,994,411, plus strand): 5'-ACGACGGCTGCTCAGTGTCACGTAGTGGGGGAGGGAGAGGATGTGGGCGACAAGGACTGA[C>T]CGGCCTTTGCTACCTGTGTGTCTTTTCCACTGCTTCCTCTTCCAAACCATCTTCCAGGGT-3'

ClinVar aggregate classification (germline): Benign/Likely benign. Review status: criteria provided, multiple submitters, no conflicts (2 of 4 stars). 3 submissions from 3 submitters: Benign (2); Likely benign (1). Last evaluated 2026-01-28.

Conditions:
Combined oxidative phosphorylation defect type 17. Also called: Combined oxidative phosphorylation deficiency 17. Identifiers: Orphanet 369913, MedGen C3809526, MONDO:0014190, OMIM 615440.

Allele frequency attached by ClinVar (database versions not stated): gnomAD 0.00004 and 0.00092; TOPMed 0.00019; gnomAD exomes 0.00155 and 0.00340; ExAC 0.00389; 1000 Genomes Project 30x 0.00468; 1000 Genomes Project 0.00519.
gnomAD v4.1: 2,468 of 1,614,182 alleles (0.15%); highest among the groups gnomAD compares: South Asian, 2.5%; 53 homozygotes.

Submissions (3):

Labcorp Genetics (formerly Invitae), Labcorp
Classification: Benign for Combined oxidative phosphorylation defect type 17. Last evaluated: 2026-01-28. Review status: criteria provided, single submitter. Criteria: Invitae Variant Classification Sherloc (09022015). Collection method: clinical testing. Allele origin: germline.

Blueprint Genetics
Classification: Likely benign. Last evaluated: 2024-11-25. Review status: criteria provided, single submitter. Criteria: ACMG Guidelines, 2015. Collection method: clinical testing. Allele origin: germline.

GeneDx
Classification: Benign. Last evaluated: 2017-08-12. Review status: criteria provided, single submitter. Criteria: GeneDx Variant Classification (06012015). Collection method: clinical testing. Allele origin: germline. Affected: yes.
Comment: This variant is considered likely benign or benign based on one or more of the following criteria: it is a conservative change, it occurs at a poorly conserved position in the protein, it is predicted to be benign by multiple in silico algorithms, and/or has population frequency not consistent with disease.